The following is an entry in ClinVar:

NM_139318.5(KCNH5):c.2888C>T (p.Pro963Leu)

Gene: KCNH5 (potassium voltage-gated channel subfamily H member 5; minus strand). Cytogenetic location: 14q23.2.
Variant type: single nucleotide variant.
Coding change: c.2888C>T on transcript NM_139318.5 (MANE Select); coding-DNA position 2888, C replaced by T.
Protein change: p.Pro963Leu; replaces proline 963 with leucine.
Molecular consequence: missense variant. On other transcripts: 3 prime UTR variant (1).
Genome position (GRCh38, 1-based): chr14:62,707,587, G>A on the plus strand (C>T on the coding strand, the complement: KCNH5 is on the minus strand). VCF-style: chr14-62707587-G-A. GRCh37 (hg19) VCF-style: chr14-63174305-G-A.
Other names: c.*855C>T (NM_172375.3); short protein forms P963L.
Identifiers: ClinVar variation 2808230 (VCV002808230.3), dbSNP rs200382362, ClinGen allele CA390099615.
Genomic context (GRCh38, chr14:62,707,587, plus strand): 5'-TTGTCAGATTCAGGTGATTCAGGCCTTGAGACACTAAAAATATCCTGACATGGTATCTGG[G>A]GGGGTACTTGGAGTGGCATTTGGGATTTGGGAGATGAGGCCTGGGGTACGCTTTTTTCCG-3'
Protein context (NP_647479.2, residues 953-973): PKSQMPLQVP[Pro963Leu]QIPCQDIFSV

ClinVar aggregate classification (germline): Uncertain significance (1 of 4 stars; one submission).

Conditions:
Early-infantile DEE. Also called: Early infantile epileptic encephalopathy; Early infantile epileptic encephalopathy with suppression bursts; Ohtahara syndrome. Identifiers: Orphanet 1934, MedGen C0393706, MONDO:0800491.

gnomAD v4.1: 1 of 1,531,652 alleles (0.000065%); highest among the groups gnomAD compares: Non-Finnish European, 0.000088%; no homozygotes.

Submission:

Labcorp Genetics (formerly Invitae), Labcorp
Classification: Uncertain significance for Early-infantile DEE. Last evaluated: 2023-05-25. Review status: criteria provided, single submitter. Criteria: Invitae Variant Classification Sherloc (09022015). Collection method: clinical testing. Allele origin: germline.
Comment: This sequence change replaces proline, which is neutral and non-polar, with leucine, which is neutral and non-polar, at codon 963 of the KCNH5 protein (p.Pro963Leu). This variant is not present in population databases (gnomAD no frequency). This variant has not been reported in the literature in individuals affected with KCNH5-related conditions. Advanced modeling of protein sequence and biophysical properties (such as structural, functional, and spatial information, amino acid conservation, physicochemical variation, residue mobility, and thermodynamic stability) performed at Invitae indicates that this missense variant is not expected to disrupt KCNH5 protein function. In summary, the available evidence is currently insufficient to determine the role of this variant in disease. Therefore, it has been classified as a Variant of Uncertain Significance.